The following is an entry in ClinVar:

NM_000428.3(LTBP2):c.797A>T (p.Gln266Leu)

Gene: LTBP2 (latent transforming growth factor beta binding protein 2; minus strand). Cytogenetic location: 14q24.3.
Variant type: single nucleotide variant.
Coding change: c.797A>T on transcript NM_000428.3 (MANE Select); coding-DNA position 797, A replaced by T.
Protein change: p.Gln266Leu; replaces glutamine 266 with leucine.
Molecular consequence: missense variant.
Genome position (GRCh38, 1-based): chr14:74,585,887, T>A on the plus strand (A>T on the coding strand, the complement: LTBP2 is on the minus strand). VCF-style: chr14-74585887-T-A. GRCh37 (hg19) VCF-style: chr14-75052590-T-A.
Other names: short protein forms Q266L.
Identifiers: ClinVar variation 1716795 (VCV001716795.5), dbSNP rs200005203, ClinGen allele CA390383004.
Genomic context (GRCh38, chr14:74,585,887, plus strand): 5'-CCAAGCCCCATGGAGAAGGGGACTTACCCAGCTGGTGGCGACTGTGGTGCGGGCGGCGAC[T>A]GTGGTGCTGGCGGCTGTGCTCTGGCCAAGGTGCCCTCTCCAGCCGCACTGCTCCTGCGCA-3'
Protein context (NP_000419.1, residues 256-276): TLARAQPPAP[Gln266Leu]SPPAPQSPPA

ClinVar aggregate classification (germline): Uncertain significance (1 of 4 stars; one submission).

Submission:

Labcorp Genetics (formerly Invitae), Labcorp
Classification: Uncertain significance. Last evaluated: 2022-07-17. Review status: criteria provided, single submitter. Criteria: Invitae Variant Classification Sherloc (09022015). Collection method: clinical testing. Allele origin: germline.
Comment: This sequence change replaces glutamine, which is neutral and polar, with leucine, which is neutral and non-polar, at codon 266 of the LTBP2 protein (p.Gln266Leu). This variant is not present in population databases (gnomAD no frequency). This variant has not been reported in the literature in individuals affected with LTBP2-related conditions. Algorithms developed to predict the effect of missense changes on protein structure and function (SIFT, PolyPhen-2, Align-GVGD) all suggest that this variant is likely to be tolerated. In summary, the available evidence is currently insufficient to determine the role of this variant in disease. Therefore, it has been classified as a Variant of Uncertain Significance.